The following is an entry in ClinVar:

ClinVar aggregate classification (germline): Uncertain significance (1 of 4 stars; one submission).

Conditions:
Fanconi anemia (FA). Also called: Fanconi's anemia. Identifiers: Orphanet 84, MedGen C0015625, MeSH D005199, MONDO:0019391.

Submission:

Labcorp Genetics (formerly Invitae), Labcorp
Classification: Uncertain significance for Fanconi anemia. Last evaluated: 2024-10-28. Review status: criteria provided, single submitter. Criteria: Invitae Variant Classification Sherloc (09022015). Collection method: clinical testing. Allele origin: germline.
Comment: This sequence change replaces serine, which is neutral and polar, with cysteine, which is neutral and slightly polar, at codon 1788 of the FANCM protein (p.Ser1788Cys). This variant is not present in population databases (gnomAD no frequency). This variant has not been reported in the literature in individuals affected with FANCM-related conditions. An algorithm developed to predict the effect of missense changes on protein structure and function (PolyPhen-2) suggests that this variant is likely to be tolerated. In summary, the available evidence is currently insufficient to determine the role of this variant in disease. Therefore, it has been classified as a Variant of Uncertain Significance.

NM_020937.4(FANCM):c.5363C>G (p.Ser1788Cys)

Gene: FANCM (FA complementation group M; plus strand). Cytogenetic location: 14q21.2.
Variant type: single nucleotide variant.
Coding change: c.5363C>G on transcript NM_020937.4 (MANE Select); coding-DNA position 5363, C replaced by G.
Protein change: p.Ser1788Cys; replaces serine 1788 with cysteine.
Molecular consequence: missense variant.
Genome position (GRCh38, 1-based): chr14:45,196,194, C>G. VCF-style: chr14-45196194-C-G. GRCh37 (hg19) VCF-style: chr14-45665397-C-G.
Other names: c.5285C>G, p.Ser1762Cys (NM_001308133.2); short protein forms S1788C, S1762C.
Identifiers: ClinVar variation 3723918 (VCV003723918.2).